The following is an entry in ClinVar:

ClinVar aggregate classification (germline): Uncertain significance (1 of 4 stars; one submission).

Conditions:
Pseudohypoaldosteronism type 2D (PHA2D). Also called: FAMILIAL HYPERKALEMIC HYPERTENSION; PSEUDOHYPOALDOSTERONISM, TYPE IID, AUTOSOMAL DOMINANT OR RECESSIVE; Pseudohypoaldosteronism Type IID. Identifiers: Orphanet 300525, Orphanet 757, MedGen C3469605, MONDO:0013781, OMIM 614495.

gnomAD v4.1: 11 of 1,614,130 alleles (0.00068%); highest among the groups gnomAD compares: East Asian, 0.0022%; no homozygotes.

Submission:

MVZ Medizinische Genetik Mainz
Classification: Uncertain significance for Pseudohypoaldosteronism type 2D. Last evaluated: 2025-02-03. Review status: criteria provided, single submitter. Criteria: UK Practice Guidelines For Variant Classification V4 01 2020. Collection method: clinical testing. Allele origin: germline. Inheritance: Autosomal recessive inheritance. Affected: yes. Observed: 1 variant allele.
Comment: ACMG Criteria: PP3_MOD,PM2_SUP,PM3_SUP,PP4

NM_017415.3(KLHL3):c.1658C>T (p.Ser553Leu)

Gene: KLHL3 (kelch like family member 3; minus strand). Cytogenetic location: 5q31.2.
Variant type: single nucleotide variant.
Coding change: c.1658C>T on transcript NM_017415.3 (MANE Select); coding-DNA position 1658, C replaced by T.
Protein change: p.Ser553Leu; replaces serine 553 with leucine.
Molecular consequence: missense variant.
Genome position (GRCh38, 1-based): chr5:137,625,830, G>A on the plus strand (C>T on the coding strand, the complement: KLHL3 is on the minus strand). VCF-style: chr5-137625830-G-A. GRCh37 (hg19) VCF-style: chr5-136961519-G-A.
Other names: c.1562C>T, p.Ser521Leu (NM_001257194.1); c.1412C>T, p.Ser471Leu (NM_001257195.2); short protein forms S471L, S521L, S553L.
Identifiers: ClinVar variation 4857253 (VCV004857253.1).